The following is an entry in ClinVar:

ClinVar aggregate classification (germline): Benign (1 of 4 stars; one submission).

Allele frequency attached by ClinVar (database versions not stated): TOPMed 0.00011; gnomAD 0.00019; gnomAD exomes 0.00034; 1000 Genomes Project 0.00080; 1000 Genomes Project 30x 0.00125.
gnomAD v4.1: 115 of 398,372 alleles (0.029%); highest among the groups gnomAD compares: South Asian, 0.31%; no homozygotes.

Submission:

CeGaT Center for Human Genetics Tuebingen
Classification: Benign. Last evaluated: 2026-06-01. Review status: criteria provided, single submitter. Criteria: CeGaT Center For Human Genetics Tuebingen Variant Classification Criteria Version 2. Collection method: clinical testing. Allele origin: germline. Affected: yes. Observed: 9 variant alleles.
Comment: KCNQ1OT1: BS1, BS2

NM_000218.3(KCNQ1):c.1393+25307G>A

Genes: KCNQ1 (potassium voltage-gated channel subfamily Q member 1; plus strand), KCNQ1OT1 (KCNQ1 opposite strand/antisense transcript 1; minus strand). Cytogenetic location: 11p15.5.
Variant type: single nucleotide variant.
Coding change: c.1393+25307G>A on transcript NM_000218.3 (MANE Select); 25307 bases into the intron after coding-DNA position 1393, G replaced by A.
Molecular consequence: intron variant.
Genome position (GRCh38, 1-based): chr11:2,614,161, G>A. VCF-style: chr11-2614161-G-A. GRCh37 (hg19) VCF-style: chr11-2635391-G-A.
Other names: c.1123+25307G>A (NM_001406837.1); c.1297+25307G>A (NM_001406836.1); c.853+25307G>A (NM_001406838.1); c.1012+25307G>A (NM_181798.2).
Identifiers: ClinVar variation 2578628 (VCV002578628.25), dbSNP rs142175190, ClinGen allele CA216358661.